The following is an entry in ClinVar:

ClinVar aggregate classification (germline): Uncertain significance (1 of 4 stars; one submission).

Conditions:
Amelocerebrohypohidrotic syndrome (KTZS). Also called: Kohlschutter's syndrome; EPILEPSY AND YELLOW TEETH; EPILEPSY, DEMENTIA, AND AMELOGENESIS IMPERFECTA; KOHLSCHUTTER SYNDROME. Identifiers: Orphanet 1946, MedGen C0406740, MONDO:0009185, OMIM 226750.

Submission:

Labcorp Genetics (formerly Invitae), Labcorp
Classification: Uncertain significance for Amelocerebrohypohidrotic syndrome. Last evaluated: 2022-05-06. Review status: criteria provided, single submitter. Criteria: Invitae Variant Classification Sherloc (09022015). Collection method: clinical testing. Allele origin: germline.
Comment: In summary, the available evidence is currently insufficient to determine the role of this variant in disease. Therefore, it has been classified as a Variant of Uncertain Significance. Algorithms developed to predict the effect of missense changes on protein structure and function are either unavailable or do not agree on the potential impact of this missense change (SIFT: "Deleterious"; PolyPhen-2: "Probably Damaging"; Align-GVGD: "Class C0"). This variant has not been reported in the literature in individuals affected with ROGDI-related conditions. This variant is not present in population databases (gnomAD no frequency). This sequence change replaces threonine, which is neutral and polar, with isoleucine, which is neutral and non-polar, at codon 262 of the ROGDI protein (p.Thr262Ile).

NM_024589.3(ROGDI):c.785C>T (p.Thr262Ile)

Gene: ROGDI (rogdi atypical leucine zipper; minus strand). Cytogenetic location: 16p13.3.
Variant type: single nucleotide variant.
Coding change: c.785C>T on transcript NM_024589.3 (MANE Select); coding-DNA position 785, C replaced by T.
Protein change: p.Thr262Ile; replaces threonine 262 with isoleucine.
Molecular consequence: missense variant. On other transcripts: non-coding transcript variant (1).
Genome position (GRCh38, 1-based): chr16:4,797,751, G>A on the plus strand (C>T on the coding strand, the complement: ROGDI is on the minus strand). VCF-style: chr16-4797751-G-A. GRCh37 (hg19) VCF-style: chr16-4847752-G-A.
Other names: short protein forms T262I.
Identifiers: ClinVar variation 2079864 (VCV002079864.4), dbSNP rs1373575683, ClinGen allele CA394648544.